The following is an entry in ClinVar:

ClinVar aggregate classification (germline): Uncertain significance. Review status: criteria provided, multiple submitters, no conflicts (2 of 4 stars). 2 submissions from 2 submitters: Uncertain significance (2). Last evaluated 2024-02-24.

Conditions:
Mitochondrial complex I deficiency, nuclear type 19. Also called: Mitochondrial complex 1 deficiency, nuclear type 19. Identifiers: MedGen C4748791, MONDO:0032624, OMIM 618241.

Allele frequency attached by ClinVar (database versions not stated): ExAC 0.00001; gnomAD exomes 0.00001; TOPMed 0.00006.

Submissions (2):

Labcorp Genetics (formerly Invitae), Labcorp
Classification: Uncertain significance. Last evaluated: 2024-02-24. Review status: criteria provided, single submitter. Criteria: Invitae Variant Classification Sherloc (09022015). Collection method: clinical testing. Allele origin: germline.
Comment: This sequence change replaces threonine, which is neutral and polar, with alanine, which is neutral and non-polar, at codon 315 of the FOXRED1 protein (p.Thr315Ala). This variant is present in population databases (rs111338847, gnomAD 0.02%). This variant has not been reported in the literature in individuals affected with FOXRED1-related conditions. ClinVar contains an entry for this variant (Variation ID: 1029471). Advanced modeling of protein sequence and biophysical properties (such as structural, functional, and spatial information, amino acid conservation, physicochemical variation, residue mobility, and thermodynamic stability) performed at Invitae indicates that this missense variant is expected to disrupt FOXRED1 protein function with a positive predictive value of 80%. In summary, the available evidence is currently insufficient to determine the role of this variant in disease. Therefore, it has been classified as a Variant of Uncertain Significance.

Baylor Genetics
Classification: Uncertain significance for Mitochondrial complex I deficiency, nuclear type 19. Last evaluated: 2019-11-15. Review status: criteria provided, single submitter. Criteria: ACMG Guidelines, 2015. Collection method: clinical testing. Allele origin: unknown. Affected: yes.
Comment: This variant was determined to be of uncertain significance according to ACMG Guidelines, 2015 [PMID:25741868].

NM_017547.4(FOXRED1):c.943A>G (p.Thr315Ala)

Gene: FOXRED1 (FAD dependent oxidoreductase domain containing 1; plus strand). Cytogenetic location: 11q24.2.
Variant type: single nucleotide variant.
Coding change: c.943A>G on transcript NM_017547.4 (MANE Select); coding-DNA position 943, A replaced by G.
Protein change: p.Thr315Ala; replaces threonine 315 with alanine.
Molecular consequence: missense variant. On other transcripts: non-coding transcript variant (2).
Genome position (GRCh38, 1-based): chr11:126,276,191, A>G. VCF-style: chr11-126276191-A-G. GRCh37 (hg19) VCF-style: chr11-126146086-A-G.
Other names: short protein forms T315A.
Identifiers: ClinVar variation 1029471 (VCV001029471.4), dbSNP rs111338847, ClinGen allele CA6354270.